The following is an entry in ClinVar:

NM_182961.4(SYNE1):c.25675_25676dup (p.Ser8559fs)

Gene: SYNE1 (spectrin repeat containing nuclear envelope protein 1; minus strand). Cytogenetic location: 6q25.2.
Variant type: Duplication.
Coding change: c.25675_25676dup on transcript NM_182961.4 (MANE Select); coding-DNA positions 25675 to 25676, 2 bases duplicated (AG; older notation c.25675_25676dupAG).
Protein change: p.Ser8559fs; shifts the reading frame from serine 8559.
Molecular consequence: frameshift variant.
Genome position (GRCh38, 1-based): chr6:152,135,216-152,135,217, CT duplicated on the plus strand (AG on the coding strand, the reverse complement: SYNE1 is on the minus strand); duplicating any 2 consecutive bases within chr6:152,135,216-152,135,218 gives the same sequence; the c. name uses the placement nearest the transcript's 3' end. VCF-style (leftmost placement, unchanged base first): chr6-152135215-G-GCT. GRCh37 (hg19) VCF-style: chr6-152456350-G-GCT.
Other names: c.2281_2282dup, p.Ser761fs (NM_001347701.2); c.2209_2210dup, p.Ser737fs (NM_001347702.2); c.25531_25532dup, p.Ser8511fs (NM_033071.5); short protein forms S761fs, S737fs, S8511fs, S8559fs.
Identifiers: ClinVar variation 4787291 (VCV004787291.1).

ClinVar aggregate classification (germline): Pathogenic (1 of 4 stars; one submission).

Conditions:
Autosomal recessive ataxia, Beauce type. Also called: SYNE1-Related Autosomal Recessive Cerebellar Ataxia; Spinocerebellar ataxia, autosomal recessive 8; ATAXIA, RECESSIVE, OF BEAUCE; SYNE1 Deficiency. Identifiers: Orphanet 88644, MedGen C1853116, MONDO:0012549, OMIM 610743.
Emery-Dreifuss muscular dystrophy 4, autosomal dominant (EDMD4). Also called: EMERY-DREIFUSS MUSCULAR DYSTROPHY 4 WITH VARIABLE FEATURES. Identifiers: Orphanet 261, MedGen C2751807, MONDO:0013071, OMIM 612998.

Submission:

Labcorp Genetics (formerly Invitae), Labcorp
Classification: Pathogenic for Emery-Dreifuss muscular dystrophy 4, autosomal dominant; Autosomal recessive ataxia, Beauce type. Last evaluated: 2026-01-17. Review status: criteria provided, single submitter. Criteria: Invitae Variant Classification Sherloc (09022015). Collection method: clinical testing. Allele origin: germline.
Comment: This sequence change creates a premature translational stop signal (p.Ser8511Argfs*41) in the SYNE1 gene. It is expected to result in an absent or disrupted protein product. Loss-of-function variants in SYNE1 are known to be pathogenic (PMID: 19542096, 24319099, 27086870). This variant is not present in population databases (gnomAD no frequency). This variant has not been reported in the literature in individuals affected with SYNE1-related conditions. For these reasons, this variant has been classified as Pathogenic.

Literature cited by the submitters: PubMed 19542096; PubMed 24319099; PubMed 27086870.